The following is an entry in ClinVar:

NC_000001.10:g.(?_237919568)_(237921096_?)del

Gene: RYR2 (ryanodine receptor 2; plus strand). Cytogenetic location: 1q43.
Variant type: Deletion.
Identifiers: ClinVar variation 2423526 (VCV002423526.4).

ClinVar aggregate classification (germline): Uncertain significance (1 of 4 stars; one submission).

Conditions:
Catecholaminergic polymorphic ventricular tachycardia 1. Also called: VENTRICULAR TACHYCARDIA, CATECHOLAMINERGIC POLYMORPHIC, 1, WITH OR WITHOUT ATRIAL DYSFUNCTION AND/OR DILATED CARDIOMYOPATHY; RYR2-Related Catecholaminergic Polymorphic Ventricular Tachycardia; VENTRICULAR TACHYCARDIA, STRESS-INDUCED POLYMORPHIC 1. Identifiers: Orphanet 3286, MedGen C1631597, MONDO:0011484, OMIM 604772.

Submission:

Labcorp Genetics (formerly Invitae), Labcorp
Classification: Uncertain significance for Catecholaminergic polymorphic ventricular tachycardia 1. Last evaluated: 2022-02-17. Review status: criteria provided, single submitter. Criteria: Invitae Variant Classification Sherloc (09022015). Collection method: clinical testing. Allele origin: germline.
Comment: In summary, the available evidence is currently insufficient to determine the role of this variant in disease. Therefore, it has been classified as a Variant of Uncertain Significance. Experimental studies and prediction algorithms are not available or were not evaluated, and the functional significance of this variant is currently unknown. This variant has not been reported in the literature in individuals affected with RYR2-related conditions. This variant is a gross deletion of the genomic region encompassing exon(s) 81-82 of the RYR2 gene. This variant would be expected to be in-frame, preserving the integrity of the reading frame.